The following is an entry in ClinVar:

ClinVar aggregate classification (germline): Benign/Likely benign. Review status: criteria provided, multiple submitters, no conflicts (2 of 4 stars). 5 submissions from 5 submitters: Benign (1); Likely benign (4). Last evaluated 2026-01-02.

Conditions:
GDAP1-related disorder. Also called: GDAP1-related disorders; GDAP1-related condition.
Inborn genetic diseases. Identifiers: MedGen C0950123, MeSH D030342.
Charcot-Marie-Tooth disease. Also called: Charcot-Marie-Tooth Neuropathy; Charcot-Marie-Tooth Hereditary Neuropathy. Identifiers: Orphanet 166, MedGen C0007959, MONDO:0015626.
Charcot-Marie-Tooth disease type 4A. Also called: Charcot-Marie-Tooth disease, demyelinating, autosomal recessive, type 4a. Identifiers: Orphanet 99948, MedGen C1859198, MONDO:0008961, OMIM 214400.

Allele frequency attached by ClinVar (database versions not stated): gnomAD 0.00006 and 0.00014; TOPMed 0.00008; gnomAD exomes 0.00066; ExAC 0.00070; 1000 Genomes Project 0.00140; 1000 Genomes Project 30x 0.00172.
gnomAD v4.1: 560 of 1,609,066 alleles (0.035%); highest among the groups gnomAD compares: South Asian, 0.41%; 13 homozygotes.

Submissions (5):

Labcorp Genetics (formerly Invitae), Labcorp
Classification: Benign for Charcot-Marie-Tooth disease type 4A. Last evaluated: 2026-01-02. Review status: criteria provided, single submitter. Criteria: Invitae Variant Classification Sherloc (09022015). Collection method: clinical testing. Allele origin: germline.

PreventionGenetics, part of Exact Sciences
Classification: Likely benign for GDAP1-related condition. Last evaluated: 2026-01-02. Review status: criteria provided, single submitter. Criteria: ACMG Guidelines, 2015. Collection method: clinical testing. Allele origin: germline.
Comment: This variant is classified as likely benign based on ACMG/AMP sequence variant interpretation guidelines (Richards et al. 2015 PMID: 25741868, with internal and published modifications).

Ambry Genetics
Classification: Likely benign for Inborn genetic diseases. Last evaluated: 2019-07-11. Review status: criteria provided, single submitter. Criteria: Ambry Variant Classification Scheme 2023. Collection method: clinical testing. Allele origin: germline.

Athena Diagnostics
Classification: Likely benign. Last evaluated: 2017-09-25. Review status: criteria provided, single submitter. Criteria: Athena Diagnostics Criteria. Collection method: clinical testing. Allele origin: germline.

Molecular Genetics Laboratory, London Health Sciences Centre
Classification: Likely benign for Charcot-Marie-Tooth disease. Review status: criteria provided, single submitter. Criteria: ACMG Guidelines, 2015. Collection method: clinical testing. Allele origin: germline. Affected: yes.

Literature cited by the submitters: PubMed 25614874 (cited by Athena Diagnostics).

NM_018972.4(GDAP1):c.90T>C (p.His30=)

Genes: GDAP1 (ganglioside induced differentiation associated protein 1; plus strand), LOC130000622 (ATAC-STARR-seq lymphoblastoid active region 27542; plus strand). Cytogenetic location: 8q21.11.
Variant type: single nucleotide variant.
Coding change: c.90T>C on transcript NM_018972.4 (MANE Select); coding-DNA position 90, T replaced by C.
Protein change: p.His30=; no amino-acid change (histidine 30 retained).
Molecular consequence: synonymous variant. On other transcripts: 5 prime UTR variant (2), intron variant (1).
Genome position (GRCh38, 1-based): chr8:74,350,551, T>C. VCF-style: chr8-74350551-T-C. GRCh37 (hg19) VCF-style: chr8-75262786-T-C.
Other names: c.-93T>C (NM_001362929.2); c.90T>C, p.His30= (NM_001362930.2, NM_001362931.2); c.-45T>C (NM_001362932.2); c.-64+79T>C (NM_001040875.4).
Identifiers: ClinVar variation 467775 (VCV000467775.17), dbSNP rs555369956, ClinGen allele CA4785018.